The following is an entry in ClinVar:

NM_017999.5(RNF31):c.2566C>G (p.Gln856Glu)

Gene: RNF31 (ring finger protein 31; plus strand). Cytogenetic location: 14q12.
Variant type: single nucleotide variant.
Coding change: c.2566C>G on transcript NM_017999.5 (MANE Select); coding-DNA position 2566, C replaced by G.
Protein change: p.Gln856Glu; replaces glutamine 856 with glutamic acid.
Molecular consequence: missense variant.
Genome position (GRCh38, 1-based): chr14:24,157,362, C>G. VCF-style: chr14-24157362-C-G. GRCh37 (hg19) VCF-style: chr14-24626571-C-G.
Other names: c.2113C>G, p.Gln705Glu (NM_001310332.2); short protein forms Q705E, Q856E.
Identifiers: ClinVar variation 1957744 (VCV001957744.5), dbSNP rs1201888044, ClinGen allele CA389305441.
Genomic context (GRCh38, chr14:24,157,362, plus strand): 5'-CACCGAGGTCGGAGCTGTGAGGACTTCCAGAACTGGAAACGCATGAACGACCCAGAATAC[C>G]AGGCCCAGGGCCTAGCAATGTATCTTCAGGAAAACGGCATTGGTAAGGCCTCCCTACTCG-3'
Protein context (NP_060469.4, residues 846-866): NWKRMNDPEY[Gln856Glu]AQGLAMYLQE

ClinVar aggregate classification (germline): Uncertain significance (1 of 4 stars; one submission).

Allele frequency attached by ClinVar (database versions not stated): gnomAD exomes below 0.00001; gnomAD 0.00001; TOPMed 0.00001.
gnomAD v4.1: 3 of 1,612,348 alleles (0.00019%); highest among the groups gnomAD compares: Non-Finnish European, 0.00025%; no homozygotes.

Submission:

Labcorp Genetics (formerly Invitae), Labcorp
Classification: Uncertain significance. Last evaluated: 2024-07-19. Review status: criteria provided, single submitter. Criteria: Invitae Variant Classification Sherloc (09022015). Collection method: clinical testing. Allele origin: germline.
Comment: This sequence change replaces glutamine, which is neutral and polar, with glutamic acid, which is acidic and polar, at codon 856 of the RNF31 protein (p.Gln856Glu). This variant is not present in population databases (gnomAD no frequency). This variant has not been reported in the literature in individuals affected with RNF31-related conditions. ClinVar contains an entry for this variant (Variation ID: 1957744). An algorithm developed to predict the effect of missense changes on protein structure and function (PolyPhen-2) suggests that this variant is likely to be disruptive. In summary, the available evidence is currently insufficient to determine the role of this variant in disease. Therefore, it has been classified as a Variant of Uncertain Significance.